The following is an entry in ClinVar:

NM_017671.5(FERMT1):c.277C>T (p.Gln93Ter)

Gene: FERMT1 (FERM domain containing kindlin 1; minus strand). Cytogenetic location: 20p12.3.
Variant type: single nucleotide variant.
Coding change: c.277C>T on transcript NM_017671.5 (MANE Select); coding-DNA position 277, C replaced by T.
Protein change: p.Gln93Ter; replaces glutamine 93 with a stop codon.
Molecular consequence: nonsense.
Genome position (GRCh38, 1-based): chr20:6,115,919, G>A on the plus strand (C>T on the coding strand, the complement: FERMT1 is on the minus strand). VCF-style: chr20-6115919-G-A. GRCh37 (hg19) VCF-style: chr20-6096566-G-A.
Other names: short protein forms Q93*.
Identifiers: ClinVar variation 3382334 (VCV003382334.2).

ClinVar aggregate classification (germline): Pathogenic (1 of 4 stars; one submission).

Conditions:
Kindler syndrome (KNDLRS). Also called: POIKILODERMA, CONGENITAL, WITH BULLAE, WEARY TYPE; POIKILODERMA, HEREDITARY ACROKERATOTIC; BULLOUS ACROKERATOTIC POIKILODERMA OF KINDLER AND WEARY; Poikiloderma of Kindler; Congenital bullous poikiloderma; Hereditary acrokeratotic poikiloderma of Weary. Identifiers: Orphanet 2908, Orphanet 306539, MedGen C0406557, MONDO:0008260, OMIM 173650.

Submission:

Juno Genomics, Hangzhou Juno Genomics, Inc
Classification: Pathogenic for Kindler syndrome. Review status: criteria provided, single submitter. Criteria: ACMG Guidelines, 2015. Collection method: clinical testing. Allele origin: germline. Affected: yes.
Comment: Absent from controls (or at extremely low frequency if recessive) in Genome Aggregation Database, Exome Sequencing Project, 1000 Genomes Project, or Exome Aggregation Consortium.;Null variant in a gene where loss of function (LOF) is a known mechanism of disease.;For recessive disorders, detected in trans with a pathogenic variant.;Patient's phenotype or family history is highly specific for a disease with a single genetic etiology.